The following is an entry in ClinVar:

ClinVar aggregate classification (germline): Uncertain significance. Review status: criteria provided, single submitter (1 of 4 stars). 2 submissions from 2 submitters: Uncertain significance (1). 1 of the submissions does not count toward it. Last evaluated 2023-06-22.

Conditions:
GCKR-related disorder. Also called: GCKR-related condition.

Allele frequency attached by ClinVar (database versions not stated): TOPMed 0.00020; 1000 Genomes Project 0.00060; 1000 Genomes Project 30x 0.00062; ExAC 0.00002; gnomAD 0.00007.
gnomAD v4.1: 20 of 1,572,164 alleles (0.0013%); highest among the groups gnomAD compares: Admixed American, 0.03%; no homozygotes.

Submissions (2):

Labcorp Genetics (formerly Invitae), Labcorp
Classification: Uncertain significance. Last evaluated: 2023-06-22. Review status: criteria provided, single submitter. Criteria: Invitae Variant Classification Sherloc (09022015). Collection method: clinical testing. Allele origin: germline.
Comment: Variants that disrupt the consensus splice site are a relatively common cause of aberrant splicing (PMID: 17576681, 9536098). Algorithms developed to predict the effect of sequence changes on RNA splicing suggest that this variant is not likely to affect RNA splicing. In summary, the available evidence is currently insufficient to determine the role of this variant in disease. Therefore, it has been classified as a Variant of Uncertain Significance. ClinVar contains an entry for this variant (Variation ID: 2148279). This variant has not been reported in the literature in individuals affected with GCKR-related conditions. This variant is present in population databases (rs200183362, gnomAD 0.009%). This sequence change falls in intron 12 of the GCKR gene. It does not directly change the encoded amino acid sequence of the GCKR protein. It affects a nucleotide within the consensus splice site.

PreventionGenetics, part of Exact Sciences
Classification: Likely benign for GCKR-related condition. Last evaluated: 2019-08-26. Review status: no assertion criteria provided. Collection method: clinical testing. Allele origin: germline. Not counted in ClinVar's aggregate classification.
Comment: This variant is classified as likely benign based on ACMG/AMP sequence variant interpretation guidelines (Richards et al. 2015 PMID: 25741868, with internal and published modifications).

Literature cited by the submitters: PubMed 17576681 (cited by Labcorp Genetics (formerly Invitae), Labcorp); PubMed 9536098 (cited by Labcorp Genetics (formerly Invitae), Labcorp).

NM_001486.4(GCKR):c.1066+4G>C

Gene: GCKR (glucokinase regulator; plus strand). Cytogenetic location: 2p23.3.
Variant type: single nucleotide variant.
Coding change: c.1066+4G>C on transcript NM_001486.4 (MANE Select); 4 bases into the intron after coding-DNA position 1066, G replaced by C.
Molecular consequence: intron variant.
Genome position (GRCh38, 1-based): chr2:27,506,889, G>C. VCF-style: chr2-27506889-G-C. GRCh37 (hg19) VCF-style: chr2-27729756-G-C.
Other names: c.1066+4G>C (NM_001486.3).
Identifiers: ClinVar variation 2148279 (VCV002148279.6), dbSNP rs200183362, ClinGen allele CA1581832.